The following is an entry in ClinVar:

ClinVar aggregate classification (germline): Uncertain significance (1 of 4 stars; one submission).

Conditions:
Malignant hyperthermia, susceptibility to, 5 (MHS5). Also called: CACNA1S-Related Malignant Hyperthermia Susceptibility. Identifiers: Orphanet 423, MedGen C1866077, MONDO:0011163, OMIM 601887.

Submission:

All of Us Research Program, National Institutes of Health
Classification: Uncertain significance for Malignant hyperthermia, susceptibility to, 5. Last evaluated: 2024-08-06. Review status: criteria provided, single submitter. Criteria: ACMG Guidelines, 2015. Collection method: clinical testing. Allele origin: germline. Inheritance: Autosomal dominant inheritance. Observed: 1 variant allele, 1 heterozygote.
Comment: This study involves interpretation of variants in research participants for the purpose of population health screening. Participant phenotype was not available at the time of variant classification. Additional details can be found in publication PMID: 35346344, PMCID: PMC8962531

NM_000069.3(CACNA1S):c.2228-2_2228-1del

Gene: CACNA1S (calcium voltage-gated channel subunit alpha1 S; minus strand). Cytogenetic location: 1q32.1.
Variant type: Deletion.
Coding change: c.2228-2_2228-1del on transcript NM_000069.3 (MANE Select); the canonical splice acceptor site of the intron before coding-DNA position 2228, 2 bases deleted (AG; older notation c.2228-2_2228-1delAG).
Molecular consequence: splice acceptor variant.
Genome position (GRCh38, 1-based): chr1:201,070,405-201,070,406, CT deleted on the plus strand (AG on the coding strand, the reverse complement: CACNA1S is on the minus strand). VCF-style (leftmost placement, unchanged base first): chr1-201070404-CCT-C. GRCh37 (hg19) VCF-style: chr1-201039532-CCT-C.
Identifiers: ClinVar variation 3386354 (VCV003386354.1).